The following is an entry in ClinVar:

Conditions:
Arteriohepatic dysplasia. Also called: Alagille Syndrome. Identifiers: Orphanet 52, MedGen C0085280, MeSH D016738, MONDO:0007318.

Submission:

Gilbert/Spinner Lab, Children's Hospital of Philadelphia
No classification provided (evidence only). Condition: Alagille syndrome. Review status: no classification provided. Collection method: research. Allele origin: not applicable. Functional consequence: functionally_abnormal.
ClinVar note: "not provided" was previously submitted as the classification for the variant. However, the classification appeared to be based only on an observation of functional data so it was converted to no classification on 2025-07-30.

NM_000214.3(JAG1):c.905C>T (p.Thr302Ile)

Gene: JAG1 (jagged canonical Notch ligand 1; minus strand). Cytogenetic location: 20p12.2.
Variant type: single nucleotide variant.
Coding change: c.905C>T on transcript NM_000214.3 (MANE Select); coding-DNA position 905, C replaced by T.
Protein change: p.Thr302Ile; replaces threonine 302 with isoleucine.
Molecular consequence: missense variant.
Genome position (GRCh38, 1-based): chr20:10,652,232, G>A on the plus strand (C>T on the coding strand, the complement: JAG1 is on the minus strand). VCF-style: chr20-10652232-G-A. GRCh37 (hg19) VCF-style: chr20-10632880-G-A.
Other names: short protein forms T302I.
Identifiers: ClinVar variation 3573180 (VCV003573180.2).